The following is an entry in ClinVar:

ClinVar aggregate classification (germline): Uncertain significance (1 of 4 stars; one submission).

Conditions:
Familial temporal lobe epilepsy 7. Identifiers: Orphanet 101046, MedGen C4225327, MONDO:0014639, OMIM 616436.

Submission:

3billion
Classification: Uncertain significance for Familial temporal lobe epilepsy 7. Last evaluated: 2025-05-22. Review status: criteria provided, single submitter. Criteria: ACMG Guidelines, 2015. Collection method: clinical testing. Allele origin: germline. Affected: yes.
Comment: The variant is not observed in the gnomAD v4.1.0 dataset. Predicted Consequence/Location: Intron variant In silico tools predict the variant to alter splicing and produce an abnormal transcript [SpliceAI: 0.83 (>=0.2, moderate evidence for spliceogenicity)]. Therefore, this variant is classified as VUS according to the recommendation of ACMG/AMP guideline.

NM_005045.4(RELN):c.2703-3C>G

Gene: RELN (reelin; minus strand). Cytogenetic location: 7q22.1.
Variant type: single nucleotide variant.
Coding change: c.2703-3C>G on transcript NM_005045.4 (MANE Select); 3 bases into the intron before coding-DNA position 2703, C replaced by G.
Molecular consequence: intron variant.
Genome position (GRCh38, 1-based): chr7:103,611,806, G>C on the plus strand (C>G on the coding strand, the complement: RELN is on the minus strand). VCF-style: chr7-103611806-G-C. GRCh37 (hg19) VCF-style: chr7-103252253-G-C.
Other names: c.2703-3C>G (NM_173054.3).
Identifiers: ClinVar variation 4855568 (VCV004855568.1).
Genomic context (GRCh38, chr7:103,611,806, plus strand): 5'-CATTGATTGTGTTTCCACATAGCGCATACTTGAGGCAAGTTTAGAATCTCCTGTAAAACT[G>C]AAAGAGACAGAGATGGAAATCAGAAAATTCTAAACACAATGTATTAGAGAAAAATTAAAG-3'